The following is an entry in ClinVar:

NM_002693.3(POLG):c.698dup (p.Tyr233Ter)

Genes: POLG (DNA polymerase gamma, catalytic subunit; minus strand), POLGARF (POLG alternative reading frame; minus strand). Cytogenetic location: 15q26.1.
Variant type: Duplication.
Coding change: c.698dup on transcript NM_002693.3 (MANE Select); coding-DNA position 698, one base duplicated (A; older notation c.698dupA).
Protein change: p.Tyr233Ter; replaces tyrosine 233 with a stop codon.
Molecular consequence: nonsense.
Genome position (GRCh38, 1-based): chr15:89,330,238, T duplicated on the plus strand (A on the coding strand, the reverse complement: POLG is on the minus strand). VCF-style (leftmost placement, unchanged base first): chr15-89330237-G-GT. GRCh37 (hg19) VCF-style: chr15-89873468-G-GT.
Other names: c.698dup, p.Tyr233Ter (NM_001126131.2); short protein forms Y233*.
Identifiers: ClinVar variation 619403 (VCV000619403.1), dbSNP rs1567192884, ClinGen allele CA10602295.
Genomic context (GRCh38, chr15:89,330,237, plus strand): 5'-GGCACCAGTAGGGACCTCCAGGGGGATGAGGTCAGCCGGCGACAGCTGGCTGGTCCAAGA[G>GT]TAACGCTCTTCCACCAGCCGCTGGCTGCACCAGGAATACCTGAGGGAGGTGAGAGGCAGG-3'

ClinVar aggregate classification (germline): Pathogenic (1 of 4 stars; one submission).

Conditions:
Progressive sclerosing poliodystrophy (MTDPS4A). Also called: Alpers-Huttenlocher Syndrome (AHS); Alpers Syndrome; ALPERS PROGRESSIVE INFANTILE POLIODYSTROPHY; Mitochondrial DNA depletion syndrome 4A (Alpers type); ALPERS DIFFUSE DEGENERATION OF CEREBRAL GRAY MATTER WITH HEPATIC CIRRHOSIS; Alpers-Huttenlocher Syndrome. Identifiers: Orphanet 726, MedGen C0205710, MONDO:0008758, OMIM 203700.

Submission:

Wong Mito Lab, Molecular and Human Genetics, Baylor College of Medicine
Classification: Pathogenic for Progressive sclerosing poliodystrophy. Last evaluated: 2018-10-01. Review status: criteria provided, single submitter. Criteria: ACMG Guidelines, 2015. Collection method: clinical testing. Allele origin: germline.
Comment: The NM_002693.2:c.698dup (NP_002684.1:p.Tyr233Ter) [GRCH38: NC_000015.10:g.89330238dup] variant in POLG gene is interpretated to be a Pathogenic based on ACMG guidelines (PMID: 25741868). This variant meets the following evidence codes reported in the ACMG-guideline. PVS1:This variant is a predicted null variant in POLG where loss of function is a known mechanism of disease. PM2:This variant is absent in key population databases. PM3:Detected in trans with a pathogenic variant for Mitochondrial DNA depletion syndrome 4A (Alpers type) which is a recessive disorder. PM4:This variant causes alteration in the length of expressed protein. PP1:This variant is co-segregated with Mitochondrial DNA depletion syndrome 4A (Alpers type) in multiple affected family members. PP4:Patient's phenotype or family history is highly specific for POLG. Based on the evidence criteria codes applied, the variant is suggested to be Pathogenic.